The following is an entry in ClinVar:

NM_000261.2(MYOC):c.1196G>T (p.Gly399Val)

Gene: MYOC (myocilin; minus strand). Cytogenetic location: 1q24.3.
Variant type: single nucleotide variant.
Coding change: c.1196G>T on transcript NM_000261.2 (MANE Select); coding-DNA position 1196, G replaced by T.
Protein change: p.Gly399Val; replaces glycine 399 with valine.
Molecular consequence: missense variant.
Genome position (GRCh38, 1-based): chr1:171,636,244, C>A on the plus strand (G>T on the coding strand, the complement: MYOC is on the minus strand). VCF-style: chr1-171636244-C-A. GRCh37 (hg19) VCF-style: chr1-171605384-C-A.
Other names: NM_000261.2(MYOC):c.1196G>T; short protein forms G399V.
Identifiers: ClinVar variation 7957 (VCV000007957.7), dbSNP rs28936694, ClinGen allele CA119182.

ClinVar aggregate classification (germline): Likely pathogenic. Review status: reviewed by expert panel (3 of 4 stars). 3 submissions from 3 submitters: Likely pathogenic (1). 2 of the submissions do not count toward it. Last evaluated 2026-02-18.

Conditions:
Open-angle glaucoma. Identifiers: MedGen C0017612, MONDO:0005338, HP:0012108.
GLAUCOMA 1, OPEN ANGLE, A, DIGENIC. Identifiers: MedGen C4016750.

Allele frequency attached by ClinVar (database versions not stated): ExAC 0.00003; gnomAD exomes 0.00002.
gnomAD v4.1: 4 of 1,614,146 alleles (0.00025%); highest among the groups gnomAD compares: Admixed American, 0.0067%; no homozygotes.

Submissions (3):

ClinGen Glaucoma Variant Curation Expert Panel
Classification: Likely pathogenic for Open-angle glaucoma. Last evaluated: 2026-02-18. Review status: reviewed by expert panel. Criteria: ClinGen Glaucoma ACMG Specifications V2.0.0 Approved. Collection method: curation. Allele origin: germline. Inheritance: Autosomal dominant inheritance.
Comment: The c.1196G>T variant in MYOC is a missense variant predicted to cause substitution of Glycine by Valine at amino acid 399 (p.Gly399Val). The highest minor allele frequency of this variant was in the Admixed American genetic ancestry group of gnomAD (v4.1.0) = 0.00006665 (4 alleles out of 60,012), which met the ≤ 0.0001 threshold set for PM2_Supporting in a population of at least 10,000 alleles. The REVEL score = 0.968, which met the ≥ 0.932 threshold for PP3_Strong, predicting a damaging effect on MYOC function. There was no functional evidence predicting a damaging or benign impact of this variant on MYOC function. 10 segregations in 1 family, with juvenile or primary open angle glaucoma (JOAG or POAG), have been reported (PMID: 11774072), which fulfilled PP1_Moderate (≥5 meioses in ≥1 family, but not the ≥7 meioses in >1 family for the strong criterion). 3 probands with JOAG or POAG have been reported carrying this variant (PMID: 11774072 and Labcorp [pers. comm]), which met PS4_Supporting (≥ 2 probands). In summary, this variant met the criteria to receive a score of 8 and to be classified as likely pathogenic (likely pathogenic classification range 6 to 9, adapted from PMID: 32720330) for juvenile open angle glaucoma based on the ACMG/AMP criteria met, as specified by the ClinGen Glaucoma VCEP (v2.0.0, 5 Dec 2024): PP3_Strong, PP1_Moderate, PS4_Supporting, PM2_Supporting

Labcorp Genetics (formerly Invitae), Labcorp
Classification: Pathogenic. Last evaluated: 2023-05-01. Review status: criteria provided, single submitter. Criteria: Invitae Variant Classification Sherloc (09022015). Collection method: clinical testing. Allele origin: germline. Not counted in ClinVar's aggregate classification.
Comment: For these reasons, this variant has been classified as Pathogenic. Advanced modeling of protein sequence and biophysical properties (such as structural, functional, and spatial information, amino acid conservation, physicochemical variation, residue mobility, and thermodynamic stability) performed at Invitae indicates that this missense variant is expected to disrupt MYOC protein function. ClinVar contains an entry for this variant (Variation ID: 7957). This missense change has been observed in individual(s) with glaucoma (PMID: 11774072). It has also been observed to segregate with disease in related individuals. This variant is present in population databases (rs28936694, gnomAD 0.009%). This sequence change replaces glycine, which is neutral and non-polar, with valine, which is neutral and non-polar, at codon 399 of the MYOC protein (p.Gly399Val).

OMIM
Classification: Pathogenic for GLAUCOMA 1, OPEN ANGLE, A, DIGENIC. Last evaluated: 2002-02-01. Review status: no assertion criteria provided. Collection method: literature only. Allele origin: germline. Not counted in ClinVar's aggregate classification.

Literature cited by the submitters: PubMed 11774072 (cited by Labcorp Genetics (formerly Invitae), Labcorp and OMIM).